The following is an entry in ClinVar:

ClinVar aggregate classification (germline): Conflicting classifications of pathogenicity. Review status: criteria provided, conflicting classifications (1 of 4 stars). 2 submissions from 2 submitters: Uncertain significance (1); Likely benign (1). Last evaluated 2025-11-12.

Conditions:
Cardiovascular phenotype. Identifiers: MedGen CN230736.
LMF1-related disorder. Also called: LMF1-related condition.

Allele frequency attached by ClinVar (database versions not stated): gnomAD 0.00003; gnomAD exomes 0.00004; TOPMed 0.00004; ExAC 0.00006.
gnomAD v4.1: 65 of 1,611,846 alleles (0.004%); highest among the groups gnomAD compares: Non-Finnish European, 0.00085%; no homozygotes.

Submissions (2):

PreventionGenetics, part of Exact Sciences
Classification: Likely benign for LMF1-related condition. Last evaluated: 2025-11-12. Review status: criteria provided, single submitter. Criteria: ACMG Guidelines, 2015. Collection method: clinical testing. Allele origin: germline.
Comment: This variant is classified as likely benign based on ACMG/AMP sequence variant interpretation guidelines (Richards et al. 2015 PMID: 25741868, with internal and published modifications).

Ambry Genetics
Classification: Uncertain significance for Cardiovascular phenotype. Last evaluated: 2023-04-13. Review status: criteria provided, single submitter. Criteria: Ambry Variant Classification Scheme 2023. Collection method: clinical testing. Allele origin: germline.

NM_022773.4(LMF1):c.1265A>G (p.Gln422Arg)

Gene: LMF1 (lipase maturation factor 1; minus strand). Cytogenetic location: 16p13.3.
Variant type: single nucleotide variant.
Coding change: c.1265A>G on transcript NM_022773.4 (MANE Select); coding-DNA position 1265, A replaced by G.
Protein change: p.Gln422Arg; replaces glutamine 422 with arginine.
Molecular consequence: missense variant. On other transcripts: non-coding transcript variant (1).
Genome position (GRCh38, 1-based): chr16:870,034, T>C on the plus strand (A>G on the coding strand, the complement: LMF1 is on the minus strand). VCF-style: chr16-870034-T-C. GRCh37 (hg19) VCF-style: chr16-920034-T-C.
Other names: c.1265A>G, p.Gln422Arg (NM_001352020.1); c.614A>G, p.Gln205Arg (NM_001352021.2, NM_001352017.2); c.866A>G, p.Gln289Arg (NM_001352018.2); c.938A>G, p.Gln313Arg (NM_001352019.2); short protein forms Q422R, Q313R, Q205R, Q289R.
Identifiers: ClinVar variation 2531758 (VCV002531758.3), dbSNP rs770851422, ClinGen allele CA7797086.